The following is an entry in ClinVar:

ClinVar aggregate classification (germline): Pathogenic. Review status: criteria provided, multiple submitters, no conflicts (2 of 4 stars). 3 submissions from 3 submitters: Pathogenic (2). 1 of the submissions does not count toward it. Last evaluated 2023-06-23.

Conditions:
Hereditary spastic paraplegia 4. Also called: Spastic paraplegia 4, autosomal dominant; Spastic Paraplegia 4; Familial spastic paraplegia autosomal dominant 2. Identifiers: Orphanet 100985, MedGen C1866855, MONDO:0008438, OMIM 182601.

Submissions (3):

Labcorp Genetics (formerly Invitae), Labcorp
Classification: Pathogenic for Hereditary spastic paraplegia 4. Last evaluated: 2023-06-23. Review status: criteria provided, single submitter. Criteria: Invitae Variant Classification Sherloc (09022015). Collection method: clinical testing. Allele origin: germline.
Comment: This sequence change creates a premature translational stop signal (p.Gln280Argfs*10) in the SPAST gene. It is expected to result in an absent or disrupted protein product. Loss-of-function variants in SPAST are known to be pathogenic (PMID: 20932283). This variant is not present in population databases (gnomAD no frequency). This premature translational stop signal has been observed in individual(s) with hereditary spastic paraplegia (PMID: 12124993, 18701882). ClinVar contains an entry for this variant (Variation ID: 987217). For these reasons, this variant has been classified as Pathogenic.

Institute of Medical Genetics and Applied Genomics, University Hospital Tübingen
Classification: Pathogenic. Last evaluated: 2020-10-23. Review status: criteria provided, single submitter. Criteria: ACMG Guidelines, 2015. Collection method: clinical testing. Allele origin: germline. Inheritance: Unknown mechanism. Affected: yes.

Solve-RD Consortium
Classification: Likely pathogenic for Hereditary spastic paraplegia 4. Last evaluated: 2022-06-01. Review status: no assertion criteria provided. Collection method: provider interpretation. Allele origin: inherited. Affected: yes. Not counted in ClinVar's aggregate classification.
Comment: Variant confirmed as disease-causing by referring clinical team

Variant identified during reanalysis of unsolved cases by the Solve-RD project. The Solve-RD project has received funding from the European Union’s Horizon 2020 research and innovation programme under grant agreement No 779257.

Literature cited by the submitters: PubMed 20932283 (cited by Labcorp Genetics (formerly Invitae), Labcorp); PubMed 12124993 (cited by Labcorp Genetics (formerly Invitae), Labcorp); PubMed 18701882 (cited by Labcorp Genetics (formerly Invitae), Labcorp); PubMed 39825153 (cited by Solve-RD Consortium).

NM_014946.4(SPAST):c.839_840del (p.Gln280fs)

Gene: SPAST (spastin; plus strand). Cytogenetic location: 2p22.3.
Variant type: Deletion.
Coding change: c.839_840del on transcript NM_014946.4 (MANE Select); coding-DNA positions 839 to 840, 2 bases deleted (AG; older notation c.839_840delAG).
Protein change: p.Gln280fs; shifts the reading frame from glutamine 280.
Molecular consequence: frameshift variant.
Genome position (GRCh38, 1-based): chr2:32,114,794-32,114,795, AG deleted. VCF-style (leftmost placement, unchanged base first): chr2-32114793-CAG-C. GRCh37 (hg19) VCF-style: chr2-32339862-CAG-C.
Other names: c.836_837del, p.Gln279fs (NM_001363823.2); c.740_741del, p.Gln247fs (NM_001363875.2); c.743_744del, p.Gln248fs (NM_001377959.1, NM_199436.2); short protein forms Q247fs, Q248fs, Q279fs, Q280fs.
Identifiers: ClinVar variation 987217 (VCV000987217.7), dbSNP rs1678762730, ClinGen allele CA1139656864.